The following is an entry in ClinVar:

NM_001005242.3(PKP2):c.1532del (p.Phe511fs)

Gene: PKP2 (plakophilin 2; minus strand). Cytogenetic location: 12p11.21.
Variant type: Deletion.
Coding change: c.1532del on transcript NM_001005242.3 (MANE Select); coding-DNA position 1532, one base deleted (T; older notation c.1532delT).
Protein change: p.Phe511fs; shifts the reading frame from phenylalanine 511.
Molecular consequence: frameshift variant.
Genome position (GRCh38, 1-based): chr12:32,841,052, A deleted on the plus strand (T on the coding strand, the reverse complement: PKP2 is on the minus strand); the first of 2 consecutive A bases (chr12:32,841,052-32,841,053); deleting either gives the same sequence. VCF-style (leftmost placement, unchanged base first): chr12-32841051-GA-G. GRCh37 (hg19) VCF-style: chr12-32993985-GA-G.
Other names: p.Phe555Serfs*8; c.1664del, p.Phe555fs (NM_004572.4); c.1664delT (NM_004572.3); short protein forms F511fs, F555fs.
Identifiers: ClinVar variation 202019 (VCV000202019.16), dbSNP rs794729127, ClinGen allele CA011282.

ClinVar aggregate classification (germline): Pathogenic. Review status: criteria provided, multiple submitters, no conflicts (2 of 4 stars). 6 submissions from 6 submitters: Pathogenic (6). Last evaluated 2025-03-26.

Conditions:
Cardiovascular phenotype. Identifiers: MedGen CN230736.
Arrhythmogenic right ventricular dysplasia 9 (ARVD9). Also called: ARRHYTHMOGENIC RIGHT VENTRICULAR DYSPLASIA, FAMILIAL, 9; Arrhythmogenic Right Ventricular Dysplasia/Cardiomyopathy 9. Identifiers: MedGen C1836906, MONDO:0012180, OMIM 609040.

Submissions (6):

Labcorp Genetics (formerly Invitae), Labcorp
Classification: Pathogenic for Arrhythmogenic right ventricular dysplasia 9. Last evaluated: 2025-03-26. Review status: criteria provided, single submitter. Criteria: Invitae Variant Classification Sherloc (09022015). Collection method: clinical testing. Allele origin: germline.
Comment: This sequence change creates a premature translational stop signal (p.Phe555Serfs*8) in the PKP2 gene. It is expected to result in an absent or disrupted protein product. Loss-of-function variants in PKP2 are known to be pathogenic (PMID: 15489853, 17041889, 23911551). This variant is not present in population databases (gnomAD no frequency). This premature translational stop signal has been observed in individual(s) with arrhythmogenic right ventricular cardiomyopathy (PMID: 26701096). It has also been observed to segregate with disease in related individuals. ClinVar contains an entry for this variant (Variation ID: 202019). For these reasons, this variant has been classified as Pathogenic.

GeneDx
Classification: Pathogenic. Last evaluated: 2025-03-10. Review status: criteria provided, single submitter. Criteria: GeneDx Variant Classification Process June 2021. Collection method: clinical testing. Allele origin: germline. Affected: yes.
Comment: Not observed at significant frequency in large population cohorts (gnomAD); Frameshift variant predicted to result in protein truncation or nonsense mediated decay in a gene for which loss of function is a known mechanism of disease; This variant is associated with the following publications: (PMID: 26701096, 31737537, 33232181, 35819174, 31402444)

Mayo Clinic Laboratories, Mayo Clinic
Classification: Pathogenic. Last evaluated: 2023-09-20. Review status: criteria provided, single submitter. Criteria: ACMG Guidelines, 2015. Collection method: clinical testing. Allele origin: germline. Observed: 1 variant allele.
Comment: PP1, PM2, PS4_moderate, PVS1

Ambry Genetics
Classification: Pathogenic for Cardiovascular phenotype. Last evaluated: 2022-07-28. Review status: criteria provided, single submitter. Criteria: Ambry Variant Classification Scheme 2023. Collection method: clinical testing. Allele origin: germline.
Comment: The c.1664delT pathogenic mutation, located in coding exon 7 of the PKP2 gene, results from a deletion of one nucleotide at nucleotide position 1664, causing a translational frameshift with a predicted alternate stop codon (p.F555Sfs*8). This alteration has been reported in an individual with a clinical diagnosis of arrhythmogenic right ventricular cardiomyopathy (ARVC) (Trenkwalder T et al. BMC Med Genet, 2015 Dec;16:117). This variant is considered to be rare based on population cohorts in the Genome Aggregation Database (gnomAD). In addition, this alteration is expected to result in loss of function by premature protein truncation or nonsense-mediated mRNA decay. As such, this alteration is interpreted as a disease-causing mutation.

Fulgent Genetics
Classification: Pathogenic for Arrhythmogenic right ventricular dysplasia 9. Last evaluated: 2021-11-09. Review status: criteria provided, single submitter. Criteria: ACMG Guidelines, 2015. Collection method: clinical testing. Allele origin: unknown.

Rady Children's Institute for Genomic Medicine, Rady Children's Hospital San Diego
Classification: Pathogenic for ARRHYTHMOGENIC RIGHT VENTRICULAR DYSPLASIA, FAMILIAL, 9. Review status: criteria provided, single submitter. Criteria: ACMG Guidelines, 2015. Collection method: clinical testing. Allele origin: germline. Affected: yes.
Comment: This frameshifting variant in exon 7 of 14 introduces a premature stop codon and is therefore predicted to result in loss of normal protein function through either protein truncation or nonsense-mediated mRNA decay (NMD). This variant has been previously reported as a heterozygous change in a patient with arrhythmogenic right ventricular cardiomyopathy (PMID: 26701096). Subsequent cascade screening detected the variant in the patient's father and the patient's two children. Disease was present in father, one child was diagnosed in an early asymptomatic stage, and one child had normal test values at the time of publication. It is absent from the gnomAD population database and thus is presumed to be rare. Based on the available evidence, the c.1664del (p.Phe555SerfsTer8) variant is classified as Pathogenic.

Literature cited by the submitters: PubMed 15489853 (cited by Labcorp Genetics (formerly Invitae), Labcorp); PubMed 17041889 (cited by Labcorp Genetics (formerly Invitae), Labcorp); PubMed 23911551 (cited by Labcorp Genetics (formerly Invitae), Labcorp); PubMed 26701096 (cited by 3 submitters); PubMed 31737537 (cited by Mayo Clinic Laboratories, Mayo Clinic and Ambry Genetics); PubMed 33232181 (cited by Mayo Clinic Laboratories, Mayo Clinic); PubMed 33968641 (cited by Mayo Clinic Laboratories, Mayo Clinic); PubMed 35819174 (cited by Mayo Clinic Laboratories, Mayo Clinic).